The following is an entry in ClinVar:

ClinVar aggregate classification (germline): Uncertain significance (1 of 4 stars; one submission).

Conditions:
Ehlers-Danlos syndrome, classic type, 1 (EDSCL1). Also called: EHLERS-DANLOS SYNDROME, GRAVIS TYPE; EHLERS-DANLOS SYNDROME, SEVERE CLASSIC TYPE; Ehlers-Danlos syndrome, type 1; Ehlers-Danlos Syndrome, Classic Type, COL5A1-Related; EDS I. Identifiers: MedGen C0268335, MONDO:0019567, OMIM 130000.

Submission:

Labcorp Genetics (formerly Invitae), Labcorp
Classification: Uncertain significance for Ehlers-Danlos syndrome, classic type, 1. Last evaluated: 2024-04-15. Review status: criteria provided, single submitter. Criteria: Invitae Variant Classification Sherloc (09022015). Collection method: clinical testing. Allele origin: germline.
Comment: This sequence change replaces glycine, which is neutral and non-polar, with cysteine, which is neutral and slightly polar, at codon 1522 of the COL5A1 protein (p.Gly1522Cys). This variant is not present in population databases (gnomAD no frequency). This missense change has been observed in individual(s) with hypermobility (PMID: 27011056). Advanced modeling of protein sequence and biophysical properties (such as structural, functional, and spatial information, amino acid conservation, physicochemical variation, residue mobility, and thermodynamic stability) performed at Invitae indicates that this missense variant is expected to disrupt COL5A1 protein function with a positive predictive value of 80%. This variant disrupts the triple helix domain of COL5A1. Glycine residues within the Gly-Xaa-Yaa repeats of the triple helix domain are required for the structure and stability of fibrillar collagens (PMID: 7695699, 8218237, 19344236), and variants at these glycine residues in COL5A1 are more frequently observed in individuals with disease than in the general population (PMID: 22696272, 23587214). However, the clinical significance of this observation remains uncertain since only a limited number of affected individuals have been described to date. In summary, the available evidence is currently insufficient to determine the role of this variant in disease. Therefore, it has been classified as a Variant of Uncertain Significance.

Literature cited by the submitters: PubMed 27011056; PubMed 7695699; PubMed 8218237; PubMed 19344236; PubMed 22696272; PubMed 23587214.

NM_000093.5(COL5A1):c.4564G>T (p.Gly1522Cys)

Genes: COL5A1 (collagen type V alpha 1 chain; plus strand), LOC101448202 (uncharacterized LOC101448202; minus strand). Cytogenetic location: 9q34.3.
Variant type: single nucleotide variant.
Coding change: c.4564G>T on transcript NM_000093.5 (MANE Select); coding-DNA position 4564, G replaced by T.
Protein change: p.Gly1522Cys; replaces glycine 1522 with cysteine.
Molecular consequence: missense variant.
Genome position (GRCh38, 1-based): chr9:134,822,106, G>T. VCF-style: chr9-134822106-G-T. GRCh37 (hg19) VCF-style: chr9-137713952-G-T.
Other names: c.4564G>T, p.Gly1522Cys (NM_001278074.1); short protein forms G1522C.
Identifiers: ClinVar variation 3720919 (VCV003720919.2).